The following is an entry in ClinVar:

NM_006031.6(PCNT):c.5975C>T (p.Pro1992Leu)

Gene: PCNT (pericentrin; plus strand). Cytogenetic location: 21q22.3.
Variant type: single nucleotide variant.
Coding change: c.5975C>T on transcript NM_006031.6 (MANE Select); coding-DNA position 5975, C replaced by T.
Protein change: p.Pro1992Leu; replaces proline 1992 with leucine.
Molecular consequence: missense variant.
Genome position (GRCh38, 1-based): chr21:46,412,048, C>T. VCF-style: chr21-46412048-C-T. GRCh37 (hg19) VCF-style: chr21-47831962-C-T.
Other names: c.5621C>T, p.Pro1874Leu (NM_001315529.2); c.5975C>T (NM_006031.5); short protein forms P1992L, P1874L.
Identifiers: ClinVar variation 284339 (VCV000284339.18), dbSNP rs758977418, ClinGen allele CA10080134.

ClinVar aggregate classification (germline): Conflicting classifications of pathogenicity. Review status: criteria provided, conflicting classifications (1 of 4 stars). 5 submissions from 5 submitters: Uncertain significance (3); Likely benign (1). 1 of the submissions does not count toward it. Last evaluated 2021-09-16.

Conditions:
PCNT-related disorder. Also called: PCNT-related condition.
Inborn genetic diseases. Identifiers: MedGen C0950123, MeSH D030342.
Microcephalic osteodysplastic primordial dwarfism type II (MOPD2). Also called: MOPD II; OSTEODYSPLASTIC PRIMORDIAL DWARFISM, TYPE II; Microcephalic osteodysplastic primordial dwarfism with tooth abnormalities. Identifiers: Orphanet 2637, MedGen C0432246, MONDO:0008872, OMIM 210720.

Allele frequency attached by ClinVar (database versions not stated): ExAC 0.00001; gnomAD 0.00001; gnomAD exomes 0.00002 and 0.00003; TOPMed 0.00002.
gnomAD v4.1: 52 of 1,607,534 alleles (0.0032%); highest among the groups gnomAD compares: South Asian, 0.0077%; no homozygotes.

Submissions (5):

Ambry Genetics
Classification: Uncertain significance for Inborn genetic diseases. Last evaluated: 2021-09-16. Review status: criteria provided, single submitter. Criteria: Ambry Variant Classification Scheme 2023. Collection method: clinical testing. Allele origin: germline.

ARUP Laboratories, Molecular Genetics and Genomics, ARUP Laboratories
Classification: Likely benign for Microcephalic osteodysplastic primordial dwarfism type II. Last evaluated: 2020-07-02. Review status: criteria provided, single submitter. Criteria: ARUP Molecular Germline Variant Investigation Process. Collection method: clinical testing. Allele origin: germline.

Fulgent Genetics
Classification: Uncertain significance for Microcephalic osteodysplastic primordial dwarfism type II. Last evaluated: 2018-10-31. Review status: criteria provided, single submitter. Criteria: ACMG Guidelines, 2015. Collection method: clinical testing. Allele origin: unknown.

Eurofins Ntd Llc (ga)
Classification: Uncertain significance. Last evaluated: 2015-11-06. Review status: criteria provided, single submitter. Criteria: EGL Classification Definitions 2015. Collection method: clinical testing. Allele origin: germline. Observed: 1 variant allele, 1 heterozygote.

PreventionGenetics, part of Exact Sciences
Classification: Uncertain significance for PCNT-related condition. Last evaluated: 2024-09-03. Review status: no assertion criteria provided. Collection method: clinical testing. Allele origin: germline. Not counted in ClinVar's aggregate classification.
Comment: The PCNT c.5975C>T variant is predicted to result in the amino acid substitution p.Pro1992Leu. To our knowledge, this variant has not been reported in the literature. This variant is reported in 0.0098% of alleles in individuals of South Asian descent in gnomAD. At this time, the clinical significance of this variant is uncertain due to the absence of conclusive functional and genetic evidence.